The following is an entry in ClinVar:

NM_001193315.2(VIPAS39):c.1366G>A (p.Asp456Asn)

Gene: VIPAS39 (VPS33B interacting protein, apical-basolateral polarity regulator, spe-39 homolog; minus strand). Cytogenetic location: 14q24.3.
Variant type: single nucleotide variant.
Coding change: c.1366G>A on transcript NM_001193315.2 (MANE Select); coding-DNA position 1366, G replaced by A.
Protein change: p.Asp456Asn; replaces aspartic acid 456 with asparagine.
Molecular consequence: missense variant.
Genome position (GRCh38, 1-based): chr14:77,428,465, C>T on the plus strand (G>A on the coding strand, the complement: VIPAS39 is on the minus strand). VCF-style: chr14-77428465-C-T. GRCh37 (hg19) VCF-style: chr14-77894808-C-T.
Other names: c.1366G>A, p.Asp456Asn (NM_001193314.2, NM_001193317.2, NM_022067.4); c.1219G>A, p.Asp407Asn (NM_001193316.2); short protein forms D456N, D407N.
Identifiers: ClinVar variation 1028747 (VCV001028747.1), dbSNP rs2078466084, ClinGen allele CA390696209.

ClinVar aggregate classification (germline): Uncertain significance (1 of 4 stars; one submission).

Conditions:
Arthrogryposis, renal dysfunction, and cholestasis 2 (ARCS2). Identifiers: Orphanet 2697, MedGen C3150672, MONDO:0013255, OMIM 613404.

Submission:

Baylor Genetics
Classification: Uncertain significance for Arthrogryposis, renal dysfunction, and cholestasis 2. Last evaluated: 2019-11-18. Review status: criteria provided, single submitter. Criteria: ACMG Guidelines, 2015. Collection method: clinical testing. Allele origin: unknown. Affected: yes.
Comment: This variant was determined to be of uncertain significance according to ACMG Guidelines, 2015 [PMID:25741868].